The following is an entry in ClinVar:

ClinVar aggregate classification (germline): Likely benign (0 of 4 stars; one submission).

Conditions:
XIST-related disorder. Also called: XIST-related condition.

gnomAD v4.1: 1,268 of 268,895 alleles (0.47%); highest among the groups gnomAD compares: Non-Finnish European, 0.64%; 2 homozygotes.

Submission:

PreventionGenetics, part of Exact Sciences
Classification: Likely benign for XIST-related condition. Last evaluated: 2023-03-29. Review status: no assertion criteria provided. Collection method: clinical testing. Allele origin: germline.
Comment: This variant is classified as likely benign based on ACMG/AMP sequence variant interpretation guidelines (Richards et al. 2015 PMID: 25741868, with internal and published modifications).

NR_001564.3(XIST):n.2014C>G

Gene: XIST (X inactive specific transcript; minus strand). Cytogenetic location: Xq13.2.
Variant type: single nucleotide variant.
Genome position: GRCh38 VCF-style: chrX-73850701-G-C. GRCh37 (hg19) VCF-style: chrX-73070536-G-C.
Identifiers: ClinVar variation 3041443 (VCV003041443.2), dbSNP rs763261086, ClinGen allele CA10453799.